The following is an entry in ClinVar:

NM_000548.5(TSC2):c.2750G>C (p.Arg917Pro)

Gene: TSC2 (TSC complex subunit 2; plus strand). Cytogenetic location: 16p13.3.
Variant type: single nucleotide variant.
Coding change: c.2750G>C on transcript NM_000548.5 (MANE Select); coding-DNA position 2750, G replaced by C.
Protein change: p.Arg917Pro; replaces arginine 917 with proline.
Molecular consequence: missense variant.
Genome position (GRCh38, 1-based): chr16:2,076,498, G>C. VCF-style: chr16-2076498-G-C. GRCh37 (hg19) VCF-style: chr16-2126499-G-C.
Other names: c.2750G>C, p.Arg917Pro (NM_001077183.3, NM_001114382.3, NM_001363528.2 and 3 more transcripts); c.2639G>C, p.Arg880Pro (NM_001318827.2); c.2603G>C, p.Arg868Pro (NM_001318829.2); c.2150G>C, p.Arg717Pro (NM_001318831.2); c.2783G>C, p.Arg928Pro (NM_001318832.2); short protein forms R917P, R928P, R717P, R868P, R880P.
Identifiers: ClinVar variation 406098 (VCV000406098.10), dbSNP rs397515046, ClinGen allele CA16614693.
Genomic context (GRCh38, chr16:2,076,498, plus strand): 5'-GCCTCCAGCCCCCATTGCCACCCCTCACTGTCTGGGTGTGCTCACTCTGCCAGGGCCTGC[G>C]GTCCAATGTCCTCTTGTCTTTTGATGACACCCCCGAGAAGGACAGCTTCAGGGCCCGGAG-3'
Protein context (NP_000539.2, residues 907-927): DFVPFITKGL[Arg917Pro]SNVLLSFDDT

ClinVar aggregate classification (germline): Uncertain significance. Review status: criteria provided, multiple submitters, no conflicts (2 of 4 stars). 2 submissions from 2 submitters: Uncertain significance (2). Last evaluated 2025-03-06.

Conditions:
Hereditary cancer-predisposing syndrome. Also called: Tumor predisposition; Neoplastic Syndromes, Hereditary; Hereditary Cancer Syndrome; Hereditary neoplastic syndrome. Identifiers: Orphanet 140162, MedGen C0027672, MeSH D009386, MONDO:0015356.
Tuberous sclerosis 2 (TSC2). Identifiers: Orphanet 805, MedGen C1860707, MONDO:0013199, OMIM 613254.

gnomAD v4.1: 1 of 1,613,490 alleles (0.000062%); highest among the groups gnomAD compares: Non-Finnish European, 0.000085%; no homozygotes.

Submissions (2):

Ambry Genetics
Classification: Uncertain significance for Hereditary cancer-predisposing syndrome. Last evaluated: 2025-03-06. Review status: criteria provided, single submitter. Criteria: Ambry Variant Classification Scheme 2023. Collection method: clinical testing. Allele origin: germline.
Comment: The p.R917P variant (also known as c.2750G>C), located in coding exon 24 of the TSC2 gene, results from a G to C substitution at nucleotide position 2750. The arginine at codon 917 is replaced by proline, an amino acid with dissimilar properties. This amino acid position is highly conserved in available vertebrate species. In addition, this alteration is predicted to be deleterious by in silico analysis. Based on the available evidence, the clinical significance of this variant remains unclear.

Labcorp Genetics (formerly Invitae), Labcorp
Classification: Uncertain significance for Tuberous sclerosis 2. Last evaluated: 2016-08-30. Review status: criteria provided, single submitter. Criteria: Invitae Variant Classification Sherloc (09022015). Collection method: clinical testing. Allele origin: germline.
Comment: In summary, this variant is a novel missense change with uncertain impact on protein function. It has been classified as a Variant of Uncertain Significance. Algorithms developed to predict the effect of missense changes on protein structure and function do not agree on the potential impact of this missense change (SIFT: "Deleterious"; PolyPhen-2: "Probably Damaging"; Align-GVGD: "Class C0"). This variant is not present in population databases (ExAC no frequency) and has not been reported in the literature in individuals with a TSC2-related disease. This sequence change replaces arginine with proline at codon 917 of the TSC2 protein (p.Arg917Pro). The arginine residue is highly conserved and there is a moderate physicochemical difference between arginine and proline.